The following is an entry in ClinVar:

ClinVar aggregate classification (germline): Uncertain significance (1 of 4 stars; one submission).

Submission:

Labcorp Genetics (formerly Invitae), Labcorp
Classification: Uncertain significance. Last evaluated: 2023-01-15. Review status: criteria provided, single submitter. Criteria: Invitae Variant Classification Sherloc (09022015). Collection method: clinical testing. Allele origin: germline.
Comment: In summary, the available evidence is currently insufficient to determine the role of this variant in disease. Therefore, it has been classified as a Variant of Uncertain Significance. Algorithms developed to predict the effect of missense changes on protein structure and function are either unavailable or do not agree on the potential impact of this missense change (SIFT: "Deleterious"; PolyPhen-2: "Not Available"; Align-GVGD: "Class C0"). This variant has not been reported in the literature in individuals affected with ATP6AP1-related conditions. This variant is not present in population databases (gnomAD no frequency). This sequence change replaces alanine, which is neutral and non-polar, with aspartic acid, which is acidic and polar, at codon 4 of the ATP6AP1 protein (p.Ala4Asp).

NM_001183.6(ATP6AP1):c.11C>A (p.Ala4Asp)

Gene: ATP6AP1 (ATPase H+ transporting accessory protein 1; plus strand). Cytogenetic location: Xq28.
Variant type: single nucleotide variant.
Coding change: c.11C>A on transcript NM_001183.6 (MANE Select); coding-DNA position 11, C replaced by A.
Protein change: p.Ala4Asp; replaces alanine 4 with aspartic acid.
Molecular consequence: missense variant.
Genome position (GRCh38, 1-based): chrX:154,428,703, C>A. VCF-style: chrX-154428703-C-A. GRCh37 (hg19) VCF-style: chrX-153657049-C-A.
Other names: short protein forms A4D.
Identifiers: ClinVar variation 2828762 (VCV002828762.3), dbSNP rs2523012692, ClinGen allele CA415187246.